The following is an entry in ClinVar:

NM_005629.4(SLC6A8):c.1685G>A (p.Trp562Ter)

Gene: SLC6A8 (solute carrier family 6 member 8; plus strand). Cytogenetic location: Xq28.
Variant type: single nucleotide variant.
Coding change: c.1685G>A on transcript NM_005629.4 (MANE Select); coding-DNA position 1685, G replaced by A.
Protein change: p.Trp562Ter; replaces tryptophan 562 with a stop codon.
Molecular consequence: nonsense.
Genome position (GRCh38, 1-based): chrX:153,694,807, G>A. VCF-style: chrX-153694807-G-A. GRCh37 (hg19) VCF-style: chrX-152960262-G-A.
Other names: NM_001142805.2:c.1655G>A; c.1655G>A, p.Trp552Ter (NM_001142805.2); c.1340G>A, p.Trp447Ter (NM_001142806.1); short protein forms W447*, W552*, W562*.
Identifiers: ClinVar variation 3066425 (VCV003066425.2), dbSNP rs2522169987, ClinGen allele CA415090852.
Genomic context (GRCh38, chrX:153,694,807, plus strand): 5'-ACGAGCCGCTGGTCTACAACAACACCTACGTGTACCCGTGGTGGGGTGAGGCCATGGGCT[G>A]GGCCTTCGCCCTGTCCTCCATGCTGTGCGTGCCGCTGCACCTCCTGGGCTGCCTCCTCAG-3'

ClinVar aggregate classification (germline): Likely pathogenic. Review status: reviewed by expert panel (3 of 4 stars). 2 submissions from 2 submitters: Likely pathogenic (1). 1 of the submissions does not count toward it. Last evaluated 2024-03-25.

Conditions:
Creatine transporter deficiency (CCDS1). Also called: Mental retardation , X-linked with seizures, short stature and midface hypoplasia; Mental retardation , X-linked, with creatine transport deficiency; X-linked creatine transporter deficiency; X-linked creatine deficiency syndrome; SLC6A8-Related Creatine Transporter Deficiency; CREATINE TRANSPORTER DEFECT. Identifiers: Orphanet 52503, MedGen C1845862, MONDO:0010305, OMIM 300352.

Submissions (2):

ClinGen Cerebral Creatine Deficiency Syndromes Variant Curation Expert Panel, ClinGen
Classification: Likely pathogenic for Creatine transporter deficiency. Last evaluated: 2024-03-25. Review status: reviewed by expert panel. Criteria: ClinGen_CCDS_ACMG_Specifications_SLC6A8_v1.1. Collection method: curation. Allele origin: germline. Inheritance: X-linked inheritance.
Comment: The NM_005629.4:c.1685G>A variant in SLC6A8 is a nonsense variant (p.Trp562Ter) predicted to cause a premature stop codon in the last 50 nucleotides of the penultimate exon of the gene and therefore to escape nonsense mediated decay. More than 10% of the protein is predicted to be removed (PVS1_Strong). The variant is absent in gnomAD v2.1.1. (PM2_Supporting). There is no ClinVar entry for this variant. In summary, this variant meets criteria to be classified as likely pathogenic for creatine transporter deficiency. SLC6A8-specific criteria applied, as specified by the ClinGen CCDS VCEP (Specifications Version 1.1.0): PVS1_Strong, PM2_Supporting, PP4. (Classification approved by the ClinGen CCDS VCEP on March 25, 2024).

Medical Genetics, Karadeniz Technical University
Classification: Pathogenic for Creatine transporter deficiency. Last evaluated: 2025-11-20. Review status: criteria provided, single submitter. Criteria: ACMG Guidelines, 2015. Collection method: clinical testing. Allele origin: de novo. Affected: yes. Not counted in ClinVar's aggregate classification.
Comment: Variation is predicted to cause premature stop codon and loss of function due to nonsense mediated decay which is consistent with the disease (Cerebral creatine deficiency syndrome 1 / OMIM) mechanism. The variation is not found in GnomAD v4.1 as expected for a disease causing highly penetrant autosmal disease gene. Therefore it is classified as pathogenic

Literature cited by the submitters: PubMed 22281021 (cited by Medical Genetics, Karadeniz Technical University).